The following is an entry in ClinVar:

NM_002047.4(GARS1):c.2047A>G (p.Thr683Ala)

Gene: GARS1 (glycyl-tRNA synthetase 1; plus strand). Cytogenetic location: 7p14.3.
Variant type: single nucleotide variant.
Coding change: c.2047A>G on transcript NM_002047.4 (MANE Select); coding-DNA position 2047, A replaced by G.
Protein change: p.Thr683Ala; replaces threonine 683 with alanine.
Molecular consequence: missense variant.
Genome position (GRCh38, 1-based): chr7:30,632,390, A>G. VCF-style: chr7-30632390-A-G. GRCh37 (hg19) VCF-style: chr7-30672006-A-G.
Other names: c.1885A>G, p.Thr629Ala (NM_001316772.1); short protein forms T629A, T683A.
Identifiers: ClinVar variation 2770010 (VCV002770010.3), dbSNP rs2534337526, ClinGen allele CA367130936.

ClinVar aggregate classification (germline): Uncertain significance (1 of 4 stars; one submission).

Conditions:
Charcot-Marie-Tooth disease type 2. Also called: Charcot-Marie-Tooth type 2. Identifiers: Orphanet 64746, MedGen C0270914, MONDO:0018993.

Submission:

Labcorp Genetics (formerly Invitae), Labcorp
Classification: Uncertain significance for Charcot-Marie-Tooth disease type 2. Last evaluated: 2023-12-01. Review status: criteria provided, single submitter. Criteria: Invitae Variant Classification Sherloc (09022015). Collection method: clinical testing. Allele origin: germline.
Comment: This sequence change replaces threonine, which is neutral and polar, with alanine, which is neutral and non-polar, at codon 683 of the GARS protein (p.Thr683Ala). This variant is not present in population databases (gnomAD no frequency). This variant has not been reported in the literature in individuals affected with GARS-related conditions. Advanced modeling of protein sequence and biophysical properties (such as structural, functional, and spatial information, amino acid conservation, physicochemical variation, residue mobility, and thermodynamic stability) performed at Invitae indicates that this missense variant is not expected to disrupt GARS protein function with a negative predictive value of 95%. In summary, the available evidence is currently insufficient to determine the role of this variant in disease. Therefore, it has been classified as a Variant of Uncertain Significance.